The following is an entry in ClinVar:

ClinVar aggregate classification (germline): Uncertain significance (1 of 4 stars; one submission).

Allele frequency attached by ClinVar (database versions not stated): gnomAD exomes below 0.00001.
gnomAD v4.1: 2 of 1,423,702 alleles (0.00014%); highest among the groups gnomAD compares: Non-Finnish European, 0.00018%; no homozygotes.

Submission:

GeneDx
Classification: Uncertain significance. Last evaluated: 2021-12-30. Review status: criteria provided, single submitter. Criteria: GeneDx Variant Classification Process June 2021. Collection method: clinical testing. Allele origin: germline. Affected: yes.
Comment: Not observed at significant frequency in large population cohorts (Lek et al., 2016); In silico analysis supports that this missense variant does not alter protein structure/function; Has not been previously published as pathogenic or benign to our knowledge

NM_017617.5(NOTCH1):c.46G>A (p.Ala16Thr)

Genes: NOTCH1 (notch receptor 1; minus strand), LOC130003020 (ATAC-STARR-seq lymphoblastoid silent region 20528; plus strand). Cytogenetic location: 9q34.3.
Variant type: single nucleotide variant.
Coding change: c.46G>A on transcript NM_017617.5 (MANE Select); coding-DNA position 46, G replaced by A.
Protein change: p.Ala16Thr; replaces alanine 16 with threonine.
Molecular consequence: missense variant.
Genome position (GRCh38, 1-based): chr9:136,545,741, C>T on the plus strand (G>A on the coding strand, the complement: NOTCH1 is on the minus strand). VCF-style: chr9-136545741-C-T. GRCh37 (hg19) VCF-style: chr9-139440193-C-T.
Other names: short protein forms A16T.
Identifiers: ClinVar variation 1331244 (VCV001331244.2), dbSNP rs2133408578, ClinGen allele CA375579805.